The following is an entry in ClinVar:

NM_000540.3(RYR1):c.14512-10C>T

Gene: RYR1 (ryanodine receptor 1; plus strand). Cytogenetic location: 19q13.2.
Variant type: single nucleotide variant.
Coding change: c.14512-10C>T on transcript NM_000540.3 (MANE Select); 10 bases into the intron before coding-DNA position 14512, C replaced by T.
Molecular consequence: intron variant.
Genome position (GRCh38, 1-based): chr19:38,580,360, C>T. VCF-style: chr19-38580360-C-T. GRCh37 (hg19) VCF-style: chr19-39071000-C-T.
Other names: c.14497-10C>T (NM_001042723.2).
Identifiers: ClinVar variation 673367 (VCV000673367.6), dbSNP rs776781628, ClinGen allele CA061353.

ClinVar aggregate classification (germline): Likely benign. Review status: criteria provided, multiple submitters, no conflicts (2 of 4 stars). 4 submissions from 4 submitters: Likely benign (4). Last evaluated 2026-01-26.

Conditions:
RYR1-related disorder. Also called: RYR1-related disorders; RYR1-related condition. Identifiers: MedGen CN239331.
Malignant hyperthermia, susceptibility to, 1 (MHS1). Also called: RYR1-Related Malignant Hyperthermia Susceptibility; Anesthesia related hyperthermia; Malignant hyperpyrexia; Fulminating hyperpyrexia; Pharmacogenic myopathy; Malignant hyperthermia suceptibility 1. Identifiers: Orphanet 423, MedGen C2930980, MONDO:0007783, OMIM 145600.

Allele frequency attached by ClinVar (database versions not stated): ExAC 0.00001; gnomAD 0.00001; gnomAD exomes 0.00001 and 0.00002.
gnomAD v4.1: 14 of 1,613,780 alleles (0.00087%); highest among the groups gnomAD compares: South Asian, 0.014%; no homozygotes.

Submissions (4):

Labcorp Genetics (formerly Invitae), Labcorp
Classification: Likely benign for RYR1-related disorder. Last evaluated: 2026-01-26. Review status: criteria provided, single submitter. Criteria: Invitae Variant Classification Sherloc (09022015). Collection method: clinical testing. Allele origin: germline.

Blueprint Genetics
Classification: Likely benign. Last evaluated: 2024-05-22. Review status: criteria provided, single submitter. Criteria: ACMG Guidelines, 2015. Collection method: clinical testing. Allele origin: germline.

All of Us Research Program, National Institutes of Health
Classification: Likely benign for Malignant hyperthermia, susceptibility to, 1. Last evaluated: 2024-02-22. Review status: criteria provided, single submitter. Criteria: ACMG Guidelines, 2015. Collection method: clinical testing. Allele origin: germline. Inheritance: Autosomal dominant inheritance. Observed: 1 variant allele, 1 heterozygote.
Comment: This study involves interpretation of variants in research participants for the purpose of population health screening. Participant phenotype was not available at the time of variant classification. Additional details can be found in publication PMID: 35346344, PMCID: PMC8962531

GeneDx
Classification: Likely benign. Last evaluated: 2018-06-20. Review status: criteria provided, single submitter. Criteria: GeneDx Variant Classification (06012015). Collection method: clinical testing. Allele origin: germline. Affected: yes.
Comment: This variant is considered likely benign or benign based on one or more of the following criteria: it is a conservative change, it occurs at a poorly conserved position in the protein, it is predicted to be benign by multiple in silico algorithms, and/or has population frequency not consistent with disease.